The following is an entry in ClinVar:

ClinVar aggregate classification (germline): Uncertain significance (1 of 4 stars; one submission).

Conditions:
Timothy syndrome (TS). Also called: LONG QT SYNDROME WITH SYNDACTYLY. Identifiers: Orphanet 65283, MedGen C1832916, MeSH C536962, MONDO:0010979, OMIM 601005.

Submission:

MGZ Medical Genetics Center
Classification: Uncertain significance for Timothy syndrome. Last evaluated: 2022-03-02. Review status: criteria provided, single submitter. Criteria: ACMG Guidelines, 2015. Collection method: clinical testing. Allele origin: germline. Affected: yes. Observed: 1 variant allele.
Comment: ACMG criteria applied: PS2_SUP, PM2_SUP, PP3

NM_000719.7(CACNA1C):c.1390+4A>G

Gene: CACNA1C (calcium voltage-gated channel subunit alpha1 C; plus strand). Cytogenetic location: 12p13.33.
Variant type: single nucleotide variant.
Coding change: c.1390+4A>G on transcript NM_000719.7 (MANE Select); 4 bases into the intron after coding-DNA position 1390, A replaced by G.
Molecular consequence: intron variant.
Genome position (GRCh38, 1-based): chr12:2,512,988, A>G. VCF-style: chr12-2512988-A-G. GRCh37 (hg19) VCF-style: chr12-2622154-A-G.
Other names: c.1390+4A>G (NM_001167624.3, NM_001167623.2, NM_001167625.2 and 18 more transcripts); c.1381+4A>G (NM_001129844.2).
Identifiers: ClinVar variation 1709149 (VCV001709149.2), dbSNP rs2507204676, ClinGen allele CA2580085145.